The following is an entry in ClinVar:

NM_000257.4(MYH7):c.4606G>T (p.Glu1536Ter)

Genes: MHRT (myosin heavy chain associated RNA transcript; plus strand), MYH7 (myosin heavy chain 7; minus strand). Cytogenetic location: 14q11.2.
Variant type: single nucleotide variant.
Coding change: c.4606G>T on transcript NM_000257.4 (MANE Select); coding-DNA position 4606, G replaced by T.
Protein change: p.Glu1536Ter; replaces glutamic acid 1536 with a stop codon.
Molecular consequence: nonsense.
Genome position (GRCh38, 1-based): chr14:23,416,906, C>A on the plus strand (G>T on the coding strand, the complement: MYH7 is on the minus strand). VCF-style: chr14-23416906-C-A. GRCh37 (hg19) VCF-style: chr14-23886115-C-A.
Other names: c.4606G>T (LRG_384t1); short protein forms E1536*.
Identifiers: ClinVar variation 503631 (VCV000503631.2), dbSNP rs779315151, ClinGen allele CA389038044.

ClinVar aggregate classification (germline): Uncertain significance (1 of 4 stars; one submission).

Submission:

GeneDx
Classification: Uncertain significance. Last evaluated: 2017-01-07. Review status: criteria provided, single submitter. Criteria: GeneDx Variant Classification (06012015). Collection method: clinical testing. Allele origin: germline. Affected: yes.
Comment: Although the Glu1536Stop variant has not been reported previously, it is predicted to cause loss of normal protein function either due to production of an abnormal, prematurely truncated protein, or by absence of protein product due to nonsense mediated mRNA decay. Although nonsense mutations in MYH7, such as Glu779Stop and Glu1455Stop, have been reported in association with cardiomyopathy, the vast majority of mutations in the MYH7 gene reported to date are either missense or in-frame deletions. Furthermore, various studies have conflicting hypotheses regarding MYH7 haploinsufficiency leading to cardiomyopathy (Nishi H et al., 2005)(Waldmuller S et al., 2011).With the clinical and molecular information available at this time, we cannot unequivocally determine the clinical significance of the Glu1536Stop variant in the MYH7 gene.